The following is an entry in ClinVar:

ClinVar aggregate classification (germline): Uncertain significance (1 of 4 stars; one submission).

Conditions:
Myasthenic syndrome, congenital, 24, presynaptic. Identifiers: MedGen C4748684, MONDO:0032597, OMIM 618198.

Allele frequency attached by ClinVar (database versions not stated): gnomAD exomes below 0.00001; TOPMed below 0.00001.
gnomAD v4.1: 2 of 1,613,772 alleles (0.00012%); highest among the groups gnomAD compares: Admixed American, 0.0033%; no homozygotes.

Submission:

Kasturba Medical College, Manipal, Kasturba Medical College, Manipal, Manipal Academy of Higher Education, Manipal, India
Classification: Uncertain significance for Myasthenic syndrome, congenital, 24, presynaptic. Review status: criteria provided, single submitter. Criteria: ACMG Guidelines, 2015. Collection method: clinical testing. Allele origin: maternal. Inheritance: Autosomal recessive inheritance. Affected: yes.
Comment: The variant c.6419A>G is present in two individuals in a heterozygous state (allele frequency: 0.000007962) in the gnomAD population database (hg19/GRCh37), whereas c.7224G>C is absent in both heterozygous and homozygous state in the gnomAD. Also, both variants are absent from our in-house database of 2945 exomes. In silico prediction tools (MutationTaster, CADD_phred, MCAP, ClinPred) are consistent in predicting the variant to be damaging to the protein function.

NM_006901.4(MYO9A):c.6419A>G (p.Asp2140Gly)

Gene: MYO9A (myosin IXA; minus strand). Cytogenetic location: 15q23.
Variant type: single nucleotide variant.
Coding change: c.6419A>G on transcript NM_006901.4 (MANE Select); coding-DNA position 6419, A replaced by G.
Protein change: p.Asp2140Gly; replaces aspartic acid 2140 with glycine.
Molecular consequence: missense variant.
Genome position (GRCh38, 1-based): chr15:71,852,188, T>C on the plus strand (A>G on the coding strand, the complement: MYO9A is on the minus strand). VCF-style: chr15-71852188-T-C. GRCh37 (hg19) VCF-style: chr15-72144529-T-C.
Other names: short protein forms D2140G.
Identifiers: ClinVar variation 2580246 (VCV002580246.2), dbSNP rs1387294615, ClinGen allele CA393061371.